The following is an entry in ClinVar:

NM_020549.5(CHAT):c.1409G>C (p.Arg470Pro)

Gene: CHAT (choline O-acetyltransferase; plus strand). Cytogenetic location: 10q11.23.
Variant type: single nucleotide variant.
Coding change: c.1409G>C on transcript NM_020549.5 (MANE Select); coding-DNA position 1409, G replaced by C.
Protein change: p.Arg470Pro; replaces arginine 470 with proline.
Molecular consequence: missense variant.
Genome position (GRCh38, 1-based): chr10:49,649,534, G>C. VCF-style: chr10-49649534-G-C. GRCh37 (hg19) VCF-style: chr10-50857580-G-C.
Other names: c.1055G>C, p.Arg352Pro (NM_001142929.2, NM_001142934.2, NM_020984.4 and 2 more transcripts); c.1163G>C, p.Arg388Pro (NM_001142933.2); short protein forms R352P, R388P, R470P.
Identifiers: ClinVar variation 1055447 (VCV001055447.9), dbSNP rs774834313, ClinGen allele CA376743304.

ClinVar aggregate classification (germline): Uncertain significance (1 of 4 stars; one submission).

Conditions:
Familial infantile myasthenia (CMS6). Also called: MYASTHENIC SYNDROME, PRESYNAPTIC, CONGENITAL, ASSOCIATED WITH EPISODIC APNEA; MYASTHENIC SYNDROME, CONGENITAL, 6, PRESYNAPTIC; Congenital myasthenic syndrome type 6. Identifiers: Orphanet 590, MedGen C0393929, MONDO:0009689, OMIM 254210.

gnomAD v4.1: 4 of 1,613,852 alleles (0.00025%); highest among the groups gnomAD compares: Non-Finnish European, 0.00017%; no homozygotes.

Submission:

Labcorp Genetics (formerly Invitae), Labcorp
Classification: Uncertain significance for Familial infantile myasthenia. Last evaluated: 2022-02-03. Review status: criteria provided, single submitter. Criteria: Invitae Variant Classification Sherloc (09022015). Collection method: clinical testing. Allele origin: germline.
Comment: This sequence change replaces arginine, which is basic and polar, with proline, which is neutral and non-polar, at codon 470 of the CHAT protein (p.Arg470Pro). This variant is not present in population databases (gnomAD no frequency). This variant has not been reported in the literature in individuals affected with CHAT-related conditions. ClinVar contains an entry for this variant (Variation ID: 1055447). Advanced modeling of protein sequence and biophysical properties (such as structural, functional, and spatial information, amino acid conservation, physicochemical variation, residue mobility, and thermodynamic stability) performed at Invitae indicates that this missense variant is not expected to disrupt CHAT protein function. In summary, the available evidence is currently insufficient to determine the role of this variant in disease. Therefore, it has been classified as a Variant of Uncertain Significance.